The following is an entry in ClinVar:

NM_006258.4(PRKG1):c.2052A>G (p.Ile684Met)

Gene: PRKG1 (protein kinase cGMP-dependent 1; plus strand). Cytogenetic location: 10q21.1.
Variant type: single nucleotide variant.
Coding change: c.2052A>G on transcript NM_006258.4 (MANE Select); coding-DNA position 2052, A replaced by G.
Protein change: p.Ile684Met; replaces isoleucine 684 with methionine.
Molecular consequence: missense variant.
Genome position (GRCh38, 1-based): chr10:52,293,891, A>G. VCF-style: chr10-52293891-A-G. GRCh37 (hg19) VCF-style: chr10-54053651-A-G.
Other names: c.2052A>G (NM_006258.3); c.2007A>G, p.Ile669Met (NM_001098512.3); c.843A>G, p.Ile281Met (NM_001374781.1); short protein forms I684M, I281M, I669M.
Identifiers: ClinVar variation 1044634 (VCV001044634.9), dbSNP rs374752370, ClinGen allele CA207402122.

ClinVar aggregate classification (germline): Uncertain significance. Review status: criteria provided, multiple submitters, no conflicts (2 of 4 stars). 3 submissions from 3 submitters: Uncertain significance (3). Last evaluated 2025-11-15.

Conditions:
Aortic aneurysm, familial thoracic 8 (AAT8). Identifiers: MedGen C3809513, MONDO:0014187, OMIM 615436.
Familial thoracic aortic aneurysm and aortic dissection (TAAD). Also called: Thoracic aortic aneurysms and dissections. Identifiers: Orphanet 91387, MedGen C4707243, MONDO:0019625.

Allele frequency attached by ClinVar (database versions not stated): gnomAD 0.00001; TOPMed 0.00001; ESP Exome Variant Server 0.00008.
gnomAD v4.1: 9 of 1,609,402 alleles (0.00056%); highest among the groups gnomAD compares: Non-Finnish European, 0.00077%; no homozygotes.

Submissions (3):

Labcorp Genetics (formerly Invitae), Labcorp
Classification: Uncertain significance for Aortic aneurysm, familial thoracic 8. Last evaluated: 2025-11-15. Review status: criteria provided, single submitter. Criteria: Invitae Variant Classification Sherloc (09022015). Collection method: clinical testing. Allele origin: germline.
Comment: This sequence change replaces isoleucine, which is neutral and non-polar, with methionine, which is neutral and non-polar, at codon 684 of the PRKG1 protein (p.Ile684Met). The frequency data for this variant in the population databases is considered unreliable, as metrics indicate poor data quality at this position in the gnomAD database. This variant has not been reported in the literature in individuals affected with PRKG1-related conditions. ClinVar contains an entry for this variant (Variation ID: 1044634). An algorithm developed to predict the effect of missense changes on protein structure and function (PolyPhen-2) suggests that this variant is likely to be tolerated. In summary, the available evidence is currently insufficient to determine the role of this variant in disease. Therefore, it has been classified as a Variant of Uncertain Significance.

Ambry Genetics
Classification: Uncertain significance for Familial thoracic aortic aneurysm and aortic dissection. Last evaluated: 2023-11-17. Review status: criteria provided, single submitter. Criteria: Ambry Variant Classification Scheme 2023. Collection method: clinical testing. Allele origin: germline.
Comment: The p.I684M variant (also known as c.2052A>G), located in coding exon 18 of the PRKG1 gene, results from an A to G substitution at nucleotide position 2052. The isoleucine at codon 684 is replaced by methionine, an amino acid with highly similar properties. This amino acid position is conserved. In addition, this alteration is predicted to be tolerated by in silico analysis. Since supporting evidence is limited at this time, the clinical significance of this alteration remains unclear.

GeneDx
Classification: Uncertain significance. Last evaluated: 2023-07-25. Review status: criteria provided, single submitter. Criteria: GeneDx Variant Classification Process June 2021. Collection method: clinical testing. Allele origin: germline. Affected: yes.
Comment: Not observed at significant frequency in large population cohorts (gnomAD); In silico analysis supports that this missense variant does not alter protein structure/function; Has not been previously published as pathogenic or benign to our knowledge